The following is an entry in ClinVar:

GRCh38/hg38 6p25.3-25.1(chr6:164633-5823601)x1

Genes: BPHL (biphenyl hydrolase like; plus strand), C6orf201 (chromosome 6 open reading frame 201; plus strand), CDYL (chromodomain Y like; plus strand), CDYL-AS1 (CDYL antisense RNA 1; minus strand), DUSP22 (dual specificity phosphatase 22; plus strand) and 298 more. Cytogenetic location: 6p25.3-25.1.
Variant type: copy number loss.
Change: copy number 1 (one copy instead of two) of chr6:164,633-5,823,601 (5.66 Mb, GRCh38 coordinates, 1-based), cytogenetic band 6p25.3-25.1.
Identifiers: ClinVar variation 58410 (VCV000058410.3).

ClinVar aggregate classification (germline): Pathogenic (1 of 4 stars; one submission).

Submission:

ISCA Site 6
Classification: Pathogenic. Last evaluated: 2011-08-12. Review status: criteria provided, single submitter. Criteria: Kaminsky et al. (Genet Med. 2011). Collection method: clinical testing. Allele origin: unknown. Affected: yes. Observed: 1 variant allele.
Comment: Copy number variation identified through the course of routine clinical cytogenomic testing in postnatal populations. Clinical assertions have been curated as described in Kaminsky et al. 2011.